The following is an entry in ClinVar:

NM_002087.4(GRN):c.1327G>A (p.Gly443Ser)

Gene: GRN (granulin precursor; plus strand). Cytogenetic location: 17q21.31.
Variant type: single nucleotide variant.
Coding change: c.1327G>A on transcript NM_002087.4 (MANE Select); coding-DNA position 1327, G replaced by A.
Protein change: p.Gly443Ser; replaces glycine 443 with serine.
Molecular consequence: missense variant.
Genome position (GRCh38, 1-based): chr17:44,352,162, G>A. VCF-style: chr17-44352162-G-A. GRCh37 (hg19) VCF-style: chr17-42429530-G-A.
Other names: short protein forms G443S.
Identifiers: ClinVar variation 3102718 (VCV003102718.2), dbSNP rs773442774, ClinGen allele CA8602171.

ClinVar aggregate classification (germline): Uncertain significance. Review status: criteria provided, multiple submitters, no conflicts (2 of 4 stars). 2 submissions from 2 submitters: Uncertain significance (2). Last evaluated 2023-12-18.

Conditions:
Inborn genetic diseases. Identifiers: MedGen C0950123, MeSH D030342.

Allele frequency attached by ClinVar (database versions not stated): ExAC 0.00003; gnomAD 0.00003; TOPMed 0.00003.
gnomAD v4.1: 20 of 1,613,614 alleles (0.0012%); highest among the groups gnomAD compares: East Asian, 0.033%; no homozygotes.

Submissions (2):

GeneDx
Classification: Uncertain significance. Last evaluated: 2023-12-18. Review status: criteria provided, single submitter. Criteria: GeneDx Variant Classification Process June 2021. Collection method: clinical testing. Allele origin: germline. Affected: yes.
Comment: In silico analysis supports that this missense variant does not alter protein structure/function; Has not been previously published as pathogenic or benign to our knowledge

Ambry Genetics
Classification: Uncertain significance for Inborn genetic diseases. Last evaluated: 2023-12-11. Review status: criteria provided, single submitter. Criteria: Ambry Variant Classification Scheme 2023. Collection method: clinical testing. Allele origin: germline.